The following is an entry in ClinVar:

ClinVar aggregate classification (germline): Uncertain significance (1 of 4 stars; one submission).

Allele frequency attached by ClinVar (database versions not stated): TOPMed 0.00002; gnomAD 0.00003.

Submission:

GeneDx
Classification: Uncertain significance. Last evaluated: 2024-06-20. Review status: criteria provided, single submitter. Criteria: GeneDx Variant Classification Process June 2021. Collection method: clinical testing. Allele origin: germline. Affected: yes.
Comment: In silico analysis indicates that this missense variant does not alter protein structure/function; Has not been previously published as pathogenic or benign to our knowledge

NM_006950.3(SYN1):c.1634C>A (p.Ala545Glu)

Gene: SYN1 (synapsin I; minus strand). Cytogenetic location: Xp11.3.
Variant type: single nucleotide variant.
Coding change: c.1634C>A on transcript NM_006950.3 (MANE Select); coding-DNA position 1634, C replaced by A.
Protein change: p.Ala545Glu; replaces alanine 545 with glutamic acid.
Molecular consequence: missense variant.
Genome position (GRCh38, 1-based): chrX:47,574,350, G>T on the plus strand (C>A on the coding strand, the complement: SYN1 is on the minus strand). VCF-style: chrX-47574350-G-T. GRCh37 (hg19) VCF-style: chrX-47433749-G-T.
Other names: c.1634C>A, p.Ala545Glu (NM_133499.2); short protein forms A545E.
Identifiers: ClinVar variation 3252375 (VCV003252375.1), dbSNP rs1029032187.
Genomic context (GRCh38, chrX:47,574,350, plus strand): 5'-CGGGTAGCCTGTGGGGGGCCCGCCTGGCGCTGGGGAGACGGAGAGGCGGGCGGGCGGGCT[G>T]CTGGAGGCGCCCCGGGGCCTCCCGCCACTGGCCGGGATTGGCGGCCTTGACCCTGGGTCG-3'
Protein context (NP_008881.2, residues 535-555): PVAGGPGAPP[Ala545Glu]ARPPASPSPQ